The following is an entry in ClinVar:

NM_015692.5(CPAMD8):c.3127C>T (p.Arg1043Cys)

Gene: CPAMD8 (C3 and PZP like alpha-2-macroglobulin domain containing 8; minus strand). Cytogenetic location: 19p13.11.
Variant type: single nucleotide variant.
Coding change: c.3127C>T on transcript NM_015692.5 (MANE Select); coding-DNA position 3127, C replaced by T.
Protein change: p.Arg1043Cys; replaces arginine 1043 with cysteine.
Molecular consequence: missense variant.
Genome position (GRCh38, 1-based): chr19:16,928,959, G>A on the plus strand (C>T on the coding strand, the complement: CPAMD8 is on the minus strand). VCF-style: chr19-16928959-G-A. GRCh37 (hg19) VCF-style: chr19-17039769-G-A.
Other names: short protein forms R1043C.
Identifiers: ClinVar variation 3607573 (VCV003607573.2).

ClinVar aggregate classification (germline): Uncertain significance (1 of 4 stars; one submission).

gnomAD v4.1: 21 of 1,607,790 alleles (0.0013%); highest among the groups gnomAD compares: South Asian, 0.018%; no homozygotes.

Submission:

Labcorp Genetics (formerly Invitae), Labcorp
Classification: Uncertain significance. Last evaluated: 2025-03-14. Review status: criteria provided, single submitter. Criteria: Invitae Variant Classification Sherloc (09022015). Collection method: clinical testing. Allele origin: germline.
Comment: This sequence change replaces arginine, which is basic and polar, with cysteine, which is neutral and slightly polar, at codon 1090 of the CPAMD8 protein (p.Arg1090Cys). This variant is present in population databases (rs143655652, gnomAD 0.01%). This variant has not been reported in the literature in individuals affected with CPAMD8-related conditions. An algorithm developed to predict the effect of missense changes on protein structure and function (PolyPhen-2) suggests that this variant is likely to be disruptive. In summary, the available evidence is currently insufficient to determine the role of this variant in disease. Therefore, it has been classified as a Variant of Uncertain Significance.